The following is an entry in ClinVar:

ClinVar aggregate classification (germline): Uncertain significance (1 of 4 stars; one submission).

Allele frequency attached by ClinVar (database versions not stated): gnomAD exomes 0.00002.
gnomAD v4.1: 25 of 1,614,210 alleles (0.0015%); highest among the groups gnomAD compares: Non-Finnish European, 0.002%; no homozygotes.

Submission:

Labcorp Genetics (formerly Invitae), Labcorp
Classification: Uncertain significance. Last evaluated: 2022-07-22. Review status: criteria provided, single submitter. Criteria: Invitae Variant Classification Sherloc (09022015). Collection method: clinical testing. Allele origin: germline.
Comment: This variant has not been reported in the literature in individuals affected with TMEM126A-related conditions. In summary, the available evidence is currently insufficient to determine the role of this variant in disease. Therefore, it has been classified as a Variant of Uncertain Significance. Algorithms developed to predict the effect of missense changes on protein structure and function are either unavailable or do not agree on the potential impact of this missense change (SIFT: "Deleterious"; PolyPhen-2: "Benign"; Align-GVGD: "Class C25"). This variant is present in population databases (no rsID available, gnomAD 0.0009%). This sequence change replaces valine, which is neutral and non-polar, with alanine, which is neutral and non-polar, at codon 39 of the TMEM126A protein (p.Val39Ala).

NM_032273.4(TMEM126A):c.116T>C (p.Val39Ala)

Gene: TMEM126A (transmembrane protein 126A; plus strand). Cytogenetic location: 11q14.1.
Variant type: single nucleotide variant.
Coding change: c.116T>C on transcript NM_032273.4 (MANE Select); coding-DNA position 116, T replaced by C.
Protein change: p.Val39Ala; replaces valine 39 with alanine.
Molecular consequence: missense variant. On other transcripts: 5 prime UTR variant (1).
Genome position (GRCh38, 1-based): chr11:85,654,092, T>C. VCF-style: chr11-85654092-T-C. GRCh37 (hg19) VCF-style: chr11-85365136-T-C.
Other names: c.-95T>C (NM_001244735.2); short protein forms V39A.
Identifiers: ClinVar variation 2130404 (VCV002130404.4), dbSNP rs1450952868, ClinGen allele CA381995828.
Genomic context (GRCh38, chr11:85,654,092, plus strand): 5'-AAAGAAAAGTTCTTTCTTCTCACCCTTTCAGGAATCTACTTGAAAATGGATCGGTTTATG[T>C]TGGATTAAATGCTGCTCTTTGTGGCCTCATAGCAAACAGTCTTTTTCGACGCATCTTGAA-3'
Protein context (NP_115649.1, residues 29-49): RNLLENGSVY[Val39Ala]GLNAALCGLI